The following is an entry in ClinVar:

NM_003482.4(KMT2D):c.6787G>A (p.Val2263Ile)

Gene: KMT2D (lysine methyltransferase 2D; minus strand). Cytogenetic location: 12q13.12.
Variant type: single nucleotide variant.
Coding change: c.6787G>A on transcript NM_003482.4 (MANE Select); coding-DNA position 6787, G replaced by A.
Protein change: p.Val2263Ile; replaces valine 2263 with isoleucine.
Molecular consequence: missense variant.
Genome position (GRCh38, 1-based): chr12:49,040,983, C>T on the plus strand (G>A on the coding strand, the complement: KMT2D is on the minus strand). VCF-style: chr12-49040983-C-T. GRCh37 (hg19) VCF-style: chr12-49434766-C-T.
Other names: short protein forms V2263I.
Identifiers: ClinVar variation 3715898 (VCV003715898.3).
Genomic context (GRCh38, chr12:49,040,983, plus strand): 5'-TCCGGGACTCCCCAAAAGGTGGGGGCGAGAGCAGGGGCTCGGAAGCTTTGCCTCCCCCTA[C>T]CCCAGGGCTCTCAGGCACAGCCAAGTTATCCAGCGAGGGGCAGCGGGGTTTGAGGAATGG-3'
Protein context (NP_003473.3, residues 2253-2273): DNLAVPESPG[Val2263Ile]GGGKASEPLL

ClinVar aggregate classification (germline): Uncertain significance. Review status: criteria provided, multiple submitters, no conflicts (2 of 4 stars). 2 submissions from 2 submitters: Uncertain significance (2). Last evaluated 2025-02-08.

Conditions:
Kabuki syndrome. Also called: NIIKAWA-KUROKI SYNDROME; Kabuki make-up syndrome. Identifiers: Orphanet 2322, MedGen C0796004, MONDO:0016512.
Inborn genetic diseases. Identifiers: MedGen C0950123, MeSH D030342.

Submissions (2):

Ambry Genetics
Classification: Uncertain significance for Inborn genetic diseases. Last evaluated: 2025-02-08. Review status: criteria provided, single submitter. Criteria: Ambry Variant Classification Scheme 2023. Collection method: clinical testing. Allele origin: germline.

Labcorp Genetics (formerly Invitae), Labcorp
Classification: Uncertain significance for Kabuki syndrome. Last evaluated: 2024-03-28. Review status: criteria provided, single submitter. Criteria: Invitae Variant Classification Sherloc (09022015). Collection method: clinical testing. Allele origin: germline.
Comment: This sequence change replaces valine, which is neutral and non-polar, with isoleucine, which is neutral and non-polar, at codon 2263 of the KMT2D protein (p.Val2263Ile). This variant is not present in population databases (gnomAD no frequency). This variant has not been reported in the literature in individuals affected with KMT2D-related conditions. Advanced modeling of protein sequence and biophysical properties (such as structural, functional, and spatial information, amino acid conservation, physicochemical variation, residue mobility, and thermodynamic stability) performed at Invitae indicates that this missense variant is not expected to disrupt KMT2D protein function with a negative predictive value of 95%. In summary, the available evidence is currently insufficient to determine the role of this variant in disease. Therefore, it has been classified as a Variant of Uncertain Significance.